The following is an entry in ClinVar:

ClinVar aggregate classification (germline): Benign. Review status: criteria provided, multiple submitters, no conflicts (2 of 4 stars). 3 submissions from 3 submitters: Benign (3). Last evaluated 2026-09-01.

Submissions (3):

CeGaT Center for Human Genetics Tuebingen
Classification: Benign. Last evaluated: 2026-09-01. Review status: criteria provided, single submitter. Criteria: CeGaT Center For Human Genetics Tuebingen Variant Classification Criteria Version 2. Collection method: clinical testing. Allele origin: germline. Affected: yes. Observed: 10 variant alleles.
Comment: LAMB1: BS1, BS2

Labcorp Genetics (formerly Invitae), Labcorp
Classification: Benign. Last evaluated: 2026-01-27. Review status: criteria provided, single submitter. Criteria: Invitae Variant Classification Sherloc (09022015). Collection method: clinical testing. Allele origin: germline.

GeneDx
Classification: Benign. Last evaluated: 2016-08-08. Review status: criteria provided, single submitter. Criteria: GeneDx Variant Classification (06012015). Collection method: clinical testing. Allele origin: germline. Affected: yes.
Comment: This variant is considered likely benign or benign based on one or more of the following criteria: it is a conservative change, it occurs at a poorly conserved position in the protein, it is predicted to be benign by multiple in silico algorithms, and/or has population frequency not consistent with disease.

NM_002291.3(LAMB1):c.349+16_349+17dup

Gene: LAMB1 (laminin subunit beta 1; minus strand). Cytogenetic location: 7q31.1.
Variant type: Duplication.
Coding change: c.349+16_349+17dup on transcript NM_002291.3 (MANE Select); bases 16 to 17 of the intron after coding-DNA position 349, 2 bases duplicated (GG; older notation c.349+16_349+17dupGG).
Molecular consequence: intron variant.
Genome position (GRCh38, 1-based): chr7:107,998,338-107,998,339, CC duplicated on the plus strand (GG on the coding strand, the reverse complement: LAMB1 is on the minus strand); duplicating any 2 consecutive bases within chr7:107,998,338-107,998,341 gives the same sequence; the c. name uses the placement nearest the transcript's 3' end. VCF-style (leftmost placement, unchanged base first): chr7-107998337-T-TCC. GRCh37 (hg19) VCF-style: chr7-107638782-T-TCC.
Other names: c.349+18_349+19dupGG (NM_002291.2).
Identifiers: ClinVar variation 421695 (VCV000421695.15), dbSNP rs139880642, ClinGen allele CA4436341.
Genomic context (GRCh38, chr7:107,998,337, plus strand): 5'-ACAAACACCCAGGAACCTGTAAGCTCCACCCAAGTTATCAATCACACTCAACGGAACTTG[T>TCC]CCCCACACCAACCACATACCATTTTCAGATTGCCACCAAATCTTAAGGCGGTTTGGAGCA-3'